The following is an entry in ClinVar:

NM_001451.3(FOXF1):c.886G>A (p.Ala296Thr)

Gene: FOXF1 (forkhead box F1; plus strand). Cytogenetic location: 16q24.1.
Variant type: single nucleotide variant.
Coding change: c.886G>A on transcript NM_001451.3 (MANE Select); coding-DNA position 886, G replaced by A.
Protein change: p.Ala296Thr; replaces alanine 296 with threonine.
Molecular consequence: missense variant.
Genome position (GRCh38, 1-based): chr16:86,511,455, G>A. VCF-style: chr16-86511455-G-A. GRCh37 (hg19) VCF-style: chr16-86545061-G-A.
Other names: short protein forms A296T.
Identifiers: ClinVar variation 1049527 (VCV001049527.1), dbSNP rs767146795, ClinGen allele CA8217478.

ClinVar aggregate classification (germline): Uncertain significance (0 of 4 stars; one submission).

Allele frequency attached by ClinVar (database versions not stated): ExAC 0.00001; gnomAD 0.00001.
gnomAD v4.1: 11 of 1,593,336 alleles (0.00069%); highest among the groups gnomAD compares: Non-Finnish European, 0.00093%; no homozygotes.

Submission:

Department of Pathology and Laboratory Medicine, Sinai Health System
Classification: Uncertain significance. Review status: no assertion criteria provided. Collection method: clinical testing. Allele origin: unknown. Affected: yes. Study: The Canadian Open Genetics Repository (COGR).
Comment: The FOXF1 p.Ala296Thr variant was not identified in the literature nor was it identified in ClinVar, Cosmic or LOVD 3.0. The variant was identified in dbSNP (ID: rs767146795) and was also identified in control databases in 2 of 212366 chromosomes at a frequency of 0.000009 (Genome Aggregation Database Feb 27, 2017). The variant was observed in the European (non-Finnish) population in 2 of 95514 chromosomes (freq: 0.000021), but not in the African, Latino, Ashkenazi Jewish, East Asian, European (Finnish), Other and South Asian populations. The variant occurs outside of the splicing consensus sequence and in silico or computational prediction software programs (SpliceSiteFinder, MaxEntScan, NNSPLICE, GeneSplicer) do not predict a difference in splicing. The p.Ala296 residue is conserved in mammals but not in more distantly related organisms however four out of five computational analyses (PolyPhen-2, AlignGVGD, BLOSUM, MutationTaster) do not suggest a high likelihood of impact to the protein; this information is not predictive enough to rule out pathogenicity. In summary, based on the above information the clinical significance of this variant cannot be determined with certainty at this time. This variant is classified as a variant of uncertain significance.